The following is an entry in ClinVar:

ClinVar aggregate classification (germline): Likely pathogenic (1 of 4 stars; one submission).

Conditions:
DICER1-related tumor predisposition. Also called: DICER1 syndrome; DICER1-related pleuropulmonary blastoma cancer predisposition syndrome. Identifiers: Orphanet 284343, MedGen C3839822, MONDO:0100216.

Submission:

Labcorp Genetics (formerly Invitae), Labcorp
Classification: Likely pathogenic for DICER1-related tumor predisposition. Last evaluated: 2019-08-21. Review status: criteria provided, single submitter. Criteria: Invitae Variant Classification Sherloc (09022015). Collection method: clinical testing. Allele origin: germline.
Comment: In summary, the currently available evidence indicates that the variant is pathogenic, but additional data are needed to prove that conclusively. Therefore, this variant has been classified as Likely Pathogenic. Donor and acceptor splice site variants typically lead to a loss of protein function (PMID: 16199547), and loss-of-function variants in DICER1 are known to be pathogenic (PMID: 19556464, 21266384). Algorithms developed to predict the effect of sequence changes on RNA splicing suggest that this variant may disrupt the consensus splice site, but this prediction has not been confirmed by published transcriptional studies. This variant has not been reported in the literature in individuals with DICER1-related conditions. This variant is not present in population databases (ExAC no frequency). This sequence change affects an acceptor splice site in intron 23 of the DICER1 gene. It is expected to disrupt RNA splicing and likely results in an absent or disrupted protein product.

Literature cited by the submitters: PubMed 16199547; PubMed 19556464; PubMed 21266384.

NM_177438.3(DICER1):c.5096-2A>T

Gene: DICER1 (dicer 1, ribonuclease III; minus strand). Cytogenetic location: 14q32.13.
Variant type: single nucleotide variant.
Coding change: c.5096-2A>T on transcript NM_177438.3 (MANE Select); the canonical splice acceptor site of the intron before coding-DNA position 5096, A replaced by T.
Molecular consequence: splice acceptor variant.
Genome position (GRCh38, 1-based): chr14:95,094,158, T>A on the plus strand (A>T on the coding strand, the complement: DICER1 is on the minus strand). VCF-style: chr14-95094158-T-A. GRCh37 (hg19) VCF-style: chr14-95560495-T-A.
Other names: c.5096-2A>T (NM_001395683.1, NM_001395679.1, NM_001395682.1 and 8 more transcripts); c.4691-2A>T (NM_001395688.1, NM_001395689.1, NM_001395690.1 and 1 more transcripts); c.3413-2A>T (NM_001395697.1); c.4814-2A>T (NM_001395686.1); c.4529-2A>T (NM_001395691.1).
Identifiers: ClinVar variation 958069 (VCV000958069.9), dbSNP rs1890104356, ClinGen allele CA390865464.